The following is an entry in ClinVar:

NM_004237.4(TRIP13):c.92+5dup

Gene: TRIP13 (thyroid hormone receptor interactor 13; plus strand). Cytogenetic location: 5p15.33.
Variant type: Duplication.
Coding change: c.92+5dup on transcript NM_004237.4 (MANE Select); 5 bases into the intron after coding-DNA position 92, one base duplicated (G; older notation c.92+5dupG).
Molecular consequence: intron variant.
Genome position (GRCh38, 1-based): chr5:893,095, G duplicated. VCF-style (leftmost placement, unchanged base first): chr5-893094-A-AG. GRCh37 (hg19) VCF-style: chr5-893209-A-AG.
Other names: c.92+5dup (NM_001166260.2).
Identifiers: ClinVar variation 3709940 (VCV003709940.2).

ClinVar aggregate classification (germline): Uncertain significance (1 of 4 stars; one submission).

Submission:

Labcorp Genetics (formerly Invitae), Labcorp
Classification: Uncertain significance. Last evaluated: 2025-12-02. Review status: criteria provided, single submitter. Criteria: Invitae Variant Classification Sherloc (09022015). Collection method: clinical testing. Allele origin: germline.
Comment: This sequence change falls in intron 1 of the TRIP13 gene. It does not directly change the encoded amino acid sequence of the TRIP13 protein. It affects a nucleotide within the consensus splice site. This variant is present in population databases (rs762118615, gnomAD 0.01%). This variant has not been reported in the literature in individuals affected with TRIP13-related conditions. ClinVar contains an entry for this variant (Variation ID: 3709940). Variants that disrupt the consensus splice site are a relatively common cause of aberrant splicing (PMID: 17576681, 9536098). Algorithms developed to predict the effect of sequence changes on RNA splicing suggest that this variant is not likely to affect RNA splicing. In summary, the available evidence is currently insufficient to determine the role of this variant in disease. Therefore, it has been classified as a Variant of Uncertain Significance.

Literature cited by the submitters: PubMed 17576681; PubMed 9536098.